The following is an entry in ClinVar:

NM_014822.4(SEC24D):c.1138G>A (p.Gly380Arg)

Gene: SEC24D (SEC24 homolog D, COPII coat complex component; minus strand). Cytogenetic location: 4q26.
Variant type: single nucleotide variant.
Coding change: c.1138G>A on transcript NM_014822.4 (MANE Select); coding-DNA position 1138, G replaced by A.
Protein change: p.Gly380Arg; replaces glycine 380 with arginine.
Molecular consequence: missense variant.
Genome position (GRCh38, 1-based): chr4:118,768,215, C>T on the plus strand (G>A on the coding strand, the complement: SEC24D is on the minus strand). VCF-style: chr4-118768215-C-T. GRCh37 (hg19) VCF-style: chr4-119689370-C-T.
Other names: c.1141G>A, p.Gly381Arg (NM_001318066.2); short protein forms G380R, G381R.
Identifiers: ClinVar variation 1448604 (VCV001448604.5), dbSNP rs146307367, ClinGen allele CA3057339.
Genomic context (GRCh38, chr4:118,768,215, plus strand): 5'-TTTAATGGCACTGCTTACCATCATTCACACAGTTGCAAAATCCACACTGATATCTCCTTC[C>T]TCCTTCGATGAACTGCATAAATGGGCACATGTAGGCCTTGCACCTGTTGCATCTGACTGG-3'
Protein context (NP_055637.2, residues 370-390): MCPFMQFIEG[Gly380Arg]RRYQCGFCNC

ClinVar aggregate classification (germline): Uncertain significance (1 of 4 stars; one submission).

Allele frequency attached by ClinVar (database versions not stated): gnomAD exomes below 0.00001 and 0.00002; ExAC 0.00002; gnomAD 0.00002 and 0.00003; TOPMed 0.00004; ESP Exome Variant Server 0.00008.
gnomAD v4.1: 10 of 1,613,800 alleles (0.00062%); highest among the groups gnomAD compares: Admixed American, 0.0033%; no homozygotes.

Submission:

Labcorp Genetics (formerly Invitae), Labcorp
Classification: Uncertain significance. Last evaluated: 2021-09-24. Review status: criteria provided, single submitter. Criteria: Invitae Variant Classification Sherloc (09022015). Collection method: clinical testing. Allele origin: germline.
Comment: This sequence change replaces glycine with arginine at codon 380 of the SEC24D protein (p.Gly380Arg). The glycine residue is highly conserved and there is a moderate physicochemical difference between glycine and arginine. This variant is present in population databases (rs146307367, ExAC 0.003%). This variant has not been reported in the literature in individuals with SEC24D-related conditions. Algorithms developed to predict the effect of missense changes on protein structure and function are either unavailable or do not agree on the potential impact of this missense change (SIFT: "Not Available"; PolyPhen-2: "Probably Damaging"; Align-GVGD: "Not Available"). In summary, the available evidence is currently insufficient to determine the role of this variant in disease. Therefore, it has been classified as a Variant of Uncertain Significance.